The following is an entry in ClinVar:

ClinVar aggregate classification (germline): Uncertain significance. Review status: criteria provided, multiple submitters, no conflicts (2 of 4 stars). 2 submissions from 2 submitters: Uncertain significance (2). Last evaluated 2025-06-10.

Allele frequency attached by ClinVar (database versions not stated): gnomAD exomes below 0.00001; TOPMed below 0.00001; ExAC 0.00001; gnomAD 0.00001 and 0.00002.
gnomAD v4.1: 9 of 1,613,076 alleles (0.00056%); highest among the groups gnomAD compares: Admixed American, 0.005%; no homozygotes.

Submissions (2):

Labcorp Genetics (formerly Invitae), Labcorp
Classification: Uncertain significance. Last evaluated: 2025-06-10. Review status: criteria provided, single submitter. Criteria: Invitae Variant Classification Sherloc (09022015). Collection method: clinical testing. Allele origin: germline.
Comment: This sequence change replaces threonine, which is neutral and polar, with arginine, which is basic and polar, at codon 107 of the IL6ST protein (p.Thr107Arg). This variant is present in population databases (rs755398863, gnomAD 0.006%). This variant has not been reported in the literature in individuals affected with IL6ST-related conditions. ClinVar contains an entry for this variant (Variation ID: 1346356). An algorithm developed to predict the effect of missense changes on protein structure and function (PolyPhen-2) suggests that this variant is likely to be tolerated. In summary, the available evidence is currently insufficient to determine the role of this variant in disease. Therefore, it has been classified as a Variant of Uncertain Significance.

Blueprint Genetics
Classification: Uncertain significance. Last evaluated: 2024-10-24. Review status: criteria provided, single submitter. Criteria: ACMG Guidelines, 2015. Collection method: clinical testing. Allele origin: germline.

NM_002184.4(IL6ST):c.320C>G (p.Thr107Arg)

Gene: IL6ST (interleukin 6 cytokine family signal transducer; minus strand). Cytogenetic location: 5q11.2.
Variant type: single nucleotide variant.
Coding change: c.320C>G on transcript NM_002184.4 (MANE Select); coding-DNA position 320, C replaced by G.
Protein change: p.Thr107Arg; replaces threonine 107 with arginine.
Molecular consequence: missense variant. On other transcripts: 5 prime UTR variant (3), non-coding transcript variant (2), intron variant (1).
Genome position (GRCh38, 1-based): chr5:55,969,600, G>C on the plus strand (C>G on the coding strand, the complement: IL6ST is on the minus strand). VCF-style: chr5-55969600-G-C. GRCh37 (hg19) VCF-style: chr5-55265428-G-C.
Other names: c.320C>G, p.Thr107Arg (NM_001190981.2, NM_001364275.2, NM_175767.3); c.-473C>G (NM_001364277.2, NM_001364279.2); c.-463C>G (NM_001364278.2); c.160+160C>G (NM_001364276.2); short protein forms T107R.
Identifiers: ClinVar variation 1346356 (VCV001346356.7), dbSNP rs755398863, ClinGen allele CA3271732.
Genomic context (GRCh38, chr5:55,969,600, plus strand): 5'-CAAAACTTACAGCCTGAAATTATTGTGATTCCATAAACATTCTGTTCAAGCTGTCCGAAT[G>C]TAAGAATGTTGCAAGTGAGCTGAATATTTAATGAAGCTATATCTGTAAAGGTGACACTGG-3'
Protein context (NP_002175.2, residues 97-117): LNIQLTCNIL[Thr107Arg]FGQLEQNVYG